The following is an entry in ClinVar:

ClinVar aggregate classification (germline): Uncertain significance (1 of 4 stars; one submission).

Submission:

GeneDx
Classification: Uncertain significance. Last evaluated: 2022-01-12. Review status: criteria provided, single submitter. Criteria: GeneDx Variant Classification Process June 2021. Collection method: clinical testing. Allele origin: germline. Affected: yes.
Comment: Not observed at significant frequency in large population cohorts (gnomAD); In silico analysis supports that this missense variant has a deleterious effect on protein structure/function; Has not been previously published as pathogenic or benign to our knowledge

NM_004369.4(COL6A3):c.9382T>G (p.Trp3128Gly)

Genes: COL6A3 (collagen type VI alpha 3 chain; minus strand), LOC126806573 (CDK7 strongly-dependent group 2 enhancer GRCh37_chr2:238233151-238234350; plus strand). Cytogenetic location: 2q37.3.
Variant type: single nucleotide variant.
Coding change: c.9382T>G on transcript NM_004369.4 (MANE Select); coding-DNA position 9382, T replaced by G.
Protein change: p.Trp3128Gly; replaces tryptophan 3128 with glycine.
Molecular consequence: missense variant.
Genome position (GRCh38, 1-based): chr2:237,325,671, A>C on the plus strand (T>G on the coding strand, the complement: COL6A3 is on the minus strand). VCF-style: chr2-237325671-A-C. GRCh37 (hg19) VCF-style: chr2-238234314-A-C.
Other names: c.7561T>G, p.Trp2521Gly (NM_057166.5); c.8764T>G, p.Trp2922Gly (NM_057167.4); short protein forms W2521G, W2922G, W3128G.
Identifiers: ClinVar variation 1696966 (VCV001696966.2), dbSNP rs2106299111, ClinGen allele CA351185574.
Genomic context (GRCh38, chr2:237,325,671, plus strand): 5'-TTCCACCACAACCTCCATACCAGAATCTTGCACAGCTTTTGGTGTTTGGATCATAGTACC[A>C]TTTTAATATGAAATCCCTGCAAGTTCCTTCGTCTTTCGGCAACTTGCATATATCTTTAAT-3'
Protein context (NP_004360.2, residues 3118-3138): EGTCRDFILK[Trp3128Gly]YYDPNTKSCA